The following is an entry in ClinVar:

NM_001145358.2(SIN3A):c.1814A>G (p.Tyr605Cys)

Gene: SIN3A (SIN3 transcription regulator family member A; minus strand). Cytogenetic location: 15q24.2.
Variant type: single nucleotide variant.
Coding change: c.1814A>G on transcript NM_001145358.2 (MANE Select); coding-DNA position 1814, A replaced by G.
Protein change: p.Tyr605Cys; replaces tyrosine 605 with cysteine.
Molecular consequence: missense variant.
Genome position (GRCh38, 1-based): chr15:75,400,080, T>C on the plus strand (A>G on the coding strand, the complement: SIN3A is on the minus strand). VCF-style: chr15-75400080-T-C. GRCh37 (hg19) VCF-style: chr15-75692421-T-C.
Other names: c.1814A>G, p.Tyr605Cys (NM_001145357.2, NM_015477.3); short protein forms Y605C.
Identifiers: ClinVar variation 1206448 (VCV001206448.4), dbSNP rs2141452479, ClinGen allele CA393497298.

ClinVar aggregate classification (germline): Uncertain significance (1 of 4 stars; one submission).

Conditions:
SIN3A-related disorder. Also called: SIN3A-related condition.

Allele frequency attached by ClinVar (database versions not stated): gnomAD exomes below 0.00001.
gnomAD v4.1: 2 of 1,611,188 alleles (0.00012%); highest among the groups gnomAD compares: Non-Finnish European, 0.00017%; no homozygotes.

Submission:

GeneDx
Classification: Uncertain significance. Last evaluated: 2021-05-28. Review status: criteria provided, single submitter. Criteria: GeneDx Variant Classification Process June 2021. Collection method: clinical testing. Allele origin: germline. Affected: yes.
Comment: Not observed in large population cohorts (Lek et al., 2016); In silico analysis supports that this missense variant has a deleterious effect on protein structure/function; Has not been previously published as pathogenic or benign to our knowledge; This variant is associated with the following publications: (PMID: 27535533)